The following is an entry in ClinVar:

ClinVar aggregate classification (germline): Uncertain significance (1 of 4 stars; one submission).

gnomAD v4.1: 2 of 1,211,824 alleles (0.00017%); highest among the groups gnomAD compares: African/African-American, 0.0035%; no homozygotes.

Submission:

CeGaT Center for Human Genetics Tuebingen
Classification: Uncertain significance. Last evaluated: 2022-08-01. Review status: criteria provided, single submitter. Criteria: CeGaT Center For Human Genetics Tuebingen Variant Classification Criteria Version 2. Collection method: clinical testing. Allele origin: germline. Affected: yes. Observed: 1 variant allele.
Comment: AIFM1: PM2

NM_004208.4(AIFM1):c.1669G>A (p.Gly557Arg)

Genes: AIFM1 (apoptosis inducing factor mitochondria associated 1; minus strand), RAB33A (RAB33A, member RAS oncogene family; plus strand). Cytogenetic location: Xq26.1.
Variant type: single nucleotide variant.
Coding change: c.1669G>A on transcript NM_004208.4 (MANE Select); coding-DNA position 1669, G replaced by A.
Protein change: p.Gly557Arg; replaces glycine 557 with arginine.
Molecular consequence: missense variant. On other transcripts: 3 prime UTR variant (1), non-coding transcript variant (1).
Genome position (GRCh38, 1-based): chrX:130,130,071, C>T on the plus strand (G>A on the coding strand, the complement: AIFM1 is on the minus strand). VCF-style: chrX-130130071-C-T. GRCh37 (hg19) VCF-style: chrX-129264046-C-T.
Other names: c.652G>A, p.Gly218Arg (NM_001130846.4); c.*897G>A (NM_001130847.4); c.1657G>A, p.Gly553Arg (NM_145812.3); short protein forms G218R, G553R, G557R.
Identifiers: ClinVar variation 2661428 (VCV002661428.24), dbSNP rs1308417889, ClinGen allele CA414568625.